The following is an entry in ClinVar:

ClinVar aggregate classification (germline): Uncertain significance. Review status: criteria provided, multiple submitters, no conflicts (2 of 4 stars). 2 submissions from 2 submitters: Uncertain significance (2). Last evaluated 2022-07-06.

Conditions:
Cardiovascular phenotype. Identifiers: MedGen CN230736.

Allele frequency attached by ClinVar (database versions not stated): gnomAD 0.00001; 1000 Genomes Project 30x 0.00016.
gnomAD v4.1: 26 of 1,549,208 alleles (0.0017%); highest among the groups gnomAD compares: South Asian, 0.0036%; no homozygotes.

Submissions (2):

Ambry Genetics
Classification: Uncertain significance for Cardiovascular phenotype. Last evaluated: 2022-07-06. Review status: criteria provided, single submitter. Criteria: Ambry Variant Classification Scheme 2023. Collection method: clinical testing. Allele origin: germline.
Comment: The p.A508V variant (also known as c.1523C>T), located in coding exon 1 of the ZNF469 gene, results from a C to T substitution at nucleotide position 1523. The alanine at codon 508 is replaced by valine, an amino acid with similar properties. This amino acid position is conserved. In addition, this alteration is predicted to be tolerated by in silico analysis. Since supporting evidence is limited at this time, the clinical significance of this alteration remains unclear.

Labcorp Genetics (formerly Invitae), Labcorp
Classification: Uncertain significance. Last evaluated: 2022-03-26. Review status: criteria provided, single submitter. Criteria: Invitae Variant Classification Sherloc (09022015). Collection method: clinical testing. Allele origin: germline.
Comment: This sequence change replaces alanine, which is neutral and non-polar, with valine, which is neutral and non-polar, at codon 508 of the ZNF469 protein (p.Ala508Val). This variant is not present in population databases (gnomAD no frequency). This variant has not been reported in the literature in individuals affected with ZNF469-related conditions. Algorithms developed to predict the effect of missense changes on protein structure and function (SIFT, PolyPhen-2, Align-GVGD) all suggest that this variant is likely to be tolerated. In summary, the available evidence is currently insufficient to determine the role of this variant in disease. Therefore, it has been classified as a Variant of Uncertain Significance.

NM_001367624.2(ZNF469):c.1523C>T (p.Ala508Val)

Gene: ZNF469 (zinc finger protein 469; plus strand). Cytogenetic location: 16q24.2.
Variant type: single nucleotide variant.
Coding change: c.1523C>T on transcript NM_001367624.2 (MANE Select); coding-DNA position 1523, C replaced by T.
Protein change: p.Ala508Val; replaces alanine 508 with valine.
Molecular consequence: missense variant.
Genome position (GRCh38, 1-based): chr16:88,428,993, C>T. VCF-style: chr16-88428993-C-T. GRCh37 (hg19) VCF-style: chr16-88495401-C-T.
Other names: NM_001127464.1:c.1523C>T; short protein forms A508V.
Identifiers: ClinVar variation 1774475 (VCV001774475.4), dbSNP rs1567509733, ClinGen allele CA397067370.
Genomic context (GRCh38, chr16:88,428,993, plus strand): 5'-TCCCGACCGCCCGGCCAAGTCCCCACGGAATGGAGATGCTGAGCCGGCTGCCTTTCCCCG[C>T]GGGGGGCCCCGAGTGGCAGGGGGGCAGCCAAGGAGCCCTGGGCACTGCTGGCAAGACACC-3'
Protein context (NP_001354553.1, residues 498-518): MEMLSRLPFP[Ala508Val]GGPEWQGGSQ